The following is an entry in ClinVar:

NM_004667.6(HERC2):c.6900G>T (p.Lys2300Asn)

Gene: HERC2 (HECT and RLD domain containing E3 ubiquitin protein ligase 2; minus strand). Cytogenetic location: 15q13.1.
Variant type: single nucleotide variant.
Coding change: c.6900G>T on transcript NM_004667.6 (MANE Select); coding-DNA position 6900, G replaced by T.
Protein change: p.Lys2300Asn; replaces lysine 2300 with asparagine.
Molecular consequence: missense variant.
Genome position (GRCh38, 1-based): chr15:28,212,470, C>A on the plus strand (G>T on the coding strand, the complement: HERC2 is on the minus strand). VCF-style: chr15-28212470-C-A. GRCh37 (hg19) VCF-style: chr15-28457616-C-A.
Other names: c.6900G>T (NM_004667.4); short protein forms K2300N.
Identifiers: ClinVar variation 2580007 (VCV002580007.2), dbSNP rs779041581, ClinGen allele CA7441921.

ClinVar aggregate classification (germline): Uncertain significance. Review status: criteria provided, multiple submitters, no conflicts (2 of 4 stars). 2 submissions from 2 submitters: Uncertain significance (2). Last evaluated 2025-07-02.

Conditions:
Inborn genetic diseases. Identifiers: MedGen C0950123, MeSH D030342.

Allele frequency attached by ClinVar (database versions not stated): gnomAD exomes below 0.00001; ExAC 0.00001; TOPMed 0.00006; gnomAD 0.00008.
gnomAD v4.1: 19 of 1,610,300 alleles (0.0012%); highest among the groups gnomAD compares: African/African-American, 0.019%; no homozygotes.

Submissions (2):

Ambry Genetics
Classification: Uncertain significance for Inborn genetic diseases. Last evaluated: 2025-07-02. Review status: criteria provided, single submitter. Criteria: Ambry Variant Classification Scheme 2023. Collection method: clinical testing. Allele origin: germline.

GeneDx
Classification: Uncertain significance. Last evaluated: 2023-03-12. Review status: criteria provided, single submitter. Criteria: GeneDx Variant Classification Process June 2021. Collection method: clinical testing. Allele origin: germline. Affected: yes.
Comment: In silico analysis supports that this missense variant does not alter protein structure/function; Has not been previously published as pathogenic or benign to our knowledge